The following is an entry in ClinVar:

NM_013432.5(TONSL):c.736G>A (p.Val246Met)

Gene: TONSL (tonsoku like, DNA repair protein; minus strand). Cytogenetic location: 8q24.3.
Variant type: single nucleotide variant.
Coding change: c.736G>A on transcript NM_013432.5 (MANE Select); coding-DNA position 736, G replaced by A.
Protein change: p.Val246Met; replaces valine 246 with methionine.
Molecular consequence: missense variant.
Genome position (GRCh38, 1-based): chr8:144,442,255, C>T on the plus strand (G>A on the coding strand, the complement: TONSL is on the minus strand). VCF-style: chr8-144442255-C-T. GRCh37 (hg19) VCF-style: chr8-145667638-C-T.
Other names: short protein forms V246M.
Identifiers: ClinVar variation 2901023 (VCV002901023.2), dbSNP rs199674114, ClinGen allele CA4943535.

ClinVar aggregate classification (germline): Uncertain significance (1 of 4 stars; one submission).

Allele frequency attached by ClinVar (database versions not stated): gnomAD 0.00003; TOPMed 0.00003; ExAC 0.00006; ESP Exome Variant Server 0.00015; 1000 Genomes Project 30x 0.00016; 1000 Genomes Project 0.00020.
gnomAD v4.1: 59 of 1,589,372 alleles (0.0037%); highest among the groups gnomAD compares: East Asian, 0.0067%; no homozygotes.

Submission:

Labcorp Genetics (formerly Invitae), Labcorp
Classification: Uncertain significance. Last evaluated: 2024-10-23. Review status: criteria provided, single submitter. Criteria: Invitae Variant Classification Sherloc (09022015). Collection method: clinical testing. Allele origin: germline.
Comment: This sequence change replaces valine, which is neutral and non-polar, with methionine, which is neutral and non-polar, at codon 246 of the TONSL protein (p.Val246Met). This variant is present in population databases (rs199674114, gnomAD 0.007%). This variant has not been reported in the literature in individuals affected with TONSL-related conditions. Invitae Evidence Modeling of protein sequence and biophysical properties (such as structural, functional, and spatial information, amino acid conservation, physicochemical variation, residue mobility, and thermodynamic stability) indicates that this missense variant is not expected to disrupt TONSL protein function with a negative predictive value of 80%. In summary, the available evidence is currently insufficient to determine the role of this variant in disease. Therefore, it has been classified as a Variant of Uncertain Significance.